The following is an entry in ClinVar:

NM_033026.6(PCLO):c.1882C>T (p.His628Tyr)

Gene: PCLO (piccolo presynaptic cytomatrix protein; minus strand). Cytogenetic location: 7q21.11.
Variant type: single nucleotide variant.
Coding change: c.1882C>T on transcript NM_033026.6 (MANE Select); coding-DNA position 1882, C replaced by T.
Protein change: p.His628Tyr; replaces histidine 628 with tyrosine.
Molecular consequence: missense variant.
Genome position (GRCh38, 1-based): chr7:83,154,759, G>A on the plus strand (C>T on the coding strand, the complement: PCLO is on the minus strand). VCF-style: chr7-83154759-G-A. GRCh37 (hg19) VCF-style: chr7-82784075-G-A.
Other names: c.1882C>T (NM_033026.5); c.1882C>T, p.His628Tyr (NM_014510.3); short protein forms H628Y.
Identifiers: ClinVar variation 1477884 (VCV001477884.5), dbSNP rs767742989, ClinGen allele CA4321374.
Genomic context (GRCh38, chr7:83,154,759, plus strand): 5'-GAGGATGATATGGCTGAAGAGTATGGACTCAGTGAATAAATGCACTTACCTCCGTTAAAT[G>A]AGGATTGGGATTAAAACCACAGAGACTACAGACAGTGGTTTGACACTCAGTGCATGTGTT-3'
Protein context (NP_149015.2, residues 618-638): CSLCGFNPNP[His628Tyr]LTEVKEWLCL

ClinVar aggregate classification (germline): Uncertain significance. Review status: criteria provided, multiple submitters, no conflicts (2 of 4 stars). 2 submissions from 2 submitters: Uncertain significance (2). Last evaluated 2026-01-25.

Allele frequency attached by ClinVar (database versions not stated): ExAC 0.00001; gnomAD 0.00001; gnomAD exomes 0.00001; TOPMed 0.00003.
gnomAD v4.1: 7 of 1,612,780 alleles (0.00043%); highest among the groups gnomAD compares: African/African-American, 0.0027%; no homozygotes.

Submissions (2):

GeneDx
Classification: Uncertain significance. Last evaluated: 2026-01-25. Review status: criteria provided, single submitter. Criteria: GeneDx Variant Classification Process June 2021. Collection method: clinical testing. Allele origin: germline.
Comment: In silico analysis supports that this missense variant has a deleterious effect on protein structure/function; Has not been previously published as pathogenic or benign to our knowledge

Labcorp Genetics (formerly Invitae), Labcorp
Classification: Uncertain significance. Last evaluated: 2021-09-24. Review status: criteria provided, single submitter. Criteria: Invitae Variant Classification Sherloc (09022015). Collection method: clinical testing. Allele origin: germline.